The following is an entry in ClinVar:

ClinVar aggregate classification (germline): Uncertain significance (1 of 4 stars; one submission).

Allele frequency attached by ClinVar (database versions not stated): gnomAD exomes 0.00001 and 0.00002.
gnomAD v4.1: 31 of 1,614,244 alleles (0.0019%); highest among the groups gnomAD compares: African/African-American, 0.0053%; no homozygotes.

Submission:

Labcorp Genetics (formerly Invitae), Labcorp
Classification: Uncertain significance. Last evaluated: 2022-09-01. Review status: criteria provided, single submitter. Criteria: Invitae Variant Classification Sherloc (09022015). Collection method: clinical testing. Allele origin: germline.
Comment: This sequence change replaces cysteine, which is neutral and slightly polar, with arginine, which is basic and polar, at codon 727 of the HPS5 protein (p.Cys727Arg). This variant is present in population databases (no rsID available, gnomAD 0.007%). This variant has not been reported in the literature in individuals affected with HPS5-related conditions. ClinVar contains an entry for this variant (Variation ID: 1360987). Algorithms developed to predict the effect of missense changes on protein structure and function are either unavailable or do not agree on the potential impact of this missense change (SIFT: "Tolerated"; PolyPhen-2: "Possibly Damaging"; Align-GVGD: "Class C0"). In summary, the available evidence is currently insufficient to determine the role of this variant in disease. Therefore, it has been classified as a Variant of Uncertain Significance.

NM_181507.2(HPS5):c.2179T>C (p.Cys727Arg)

Gene: HPS5 (HPS5 biogenesis of lysosomal organelles complex 2 subunit 2; minus strand). Cytogenetic location: 11p15.1.
Variant type: single nucleotide variant.
Coding change: c.2179T>C on transcript NM_181507.2 (MANE Select); coding-DNA position 2179, T replaced by C.
Protein change: p.Cys727Arg; replaces cysteine 727 with arginine.
Molecular consequence: missense variant.
Genome position (GRCh38, 1-based): chr11:18,291,703, A>G on the plus strand (T>C on the coding strand, the complement: HPS5 is on the minus strand). VCF-style: chr11-18291703-A-G. GRCh37 (hg19) VCF-style: chr11-18313250-A-G.
Other names: c.1837T>C, p.Cys613Arg (NM_007216.4, NM_181508.2); short protein forms C727R, C613R.
Identifiers: ClinVar variation 1360987 (VCV001360987.3), dbSNP rs1412721913, ClinGen allele CA379489611.